The following is an entry in ClinVar:

NM_001961.4(EEF2):c.1597A>G (p.Met533Val)

Gene: EEF2 (eukaryotic translation elongation factor 2; minus strand). Cytogenetic location: 19p13.3.
Variant type: single nucleotide variant.
Coding change: c.1597A>G on transcript NM_001961.4 (MANE Select); coding-DNA position 1597, A replaced by G.
Protein change: p.Met533Val; replaces methionine 533 with valine.
Molecular consequence: missense variant.
Genome position (GRCh38, 1-based): chr19:3,979,816, T>C on the plus strand (A>G on the coding strand, the complement: EEF2 is on the minus strand). VCF-style: chr19-3979816-T-C. GRCh37 (hg19) VCF-style: chr19-3979814-T-C.
Other names: short protein forms M533V.
Identifiers: ClinVar variation 1706351 (VCV001706351.2), dbSNP rs2512201648, ClinGen allele CA403391820.
Genomic context (GRCh38, chr19:3,979,816, plus strand): 5'-AAGCCGTCCCCCCTCAGGGTGTCTGCTCCCAGCAGGTGCACTCCGTGCCCACCTGCACCA[T>C]GGGGTCGGACTTGGCCAGCCGCTTCAGCCCCTCCACCAGCTTGGGCAGGTCAGCCGGGTT-3'
Protein context (NP_001952.1, residues 523-543): GLKRLAKSDP[Met533Val]VQCIIEESGE

ClinVar aggregate classification (germline): Uncertain significance (1 of 4 stars; one submission).

Allele frequency attached by ClinVar (database versions not stated): gnomAD exomes below 0.00001.
gnomAD v4.1: 1 of 1,612,542 alleles (0.000062%); highest among the groups gnomAD compares: Non-Finnish European, 0.000085%; no homozygotes.

Submission:

GeneDx
Classification: Uncertain significance. Last evaluated: 2022-03-14. Review status: criteria provided, single submitter. Criteria: GeneDx Variant Classification Process June 2021. Collection method: clinical testing. Allele origin: germline. Affected: yes.
Comment: Not observed at significant frequency in large population cohorts (gnomAD); In silico analysis supports that this missense variant does not alter protein structure/function; Has not been previously published as pathogenic or benign to our knowledge